The following is an entry in ClinVar:

NM_017777.4(MKS1):c.262-148C>T

Gene: MKS1 (MKS transition zone complex subunit 1; minus strand). Cytogenetic location: 17q22.
Variant type: single nucleotide variant.
Coding change: c.262-148C>T on transcript NM_017777.4 (MANE Select); 148 bases into the intron before coding-DNA position 262, C replaced by T.
Molecular consequence: intron variant.
Genome position (GRCh38, 1-based): chr17:58,216,391, G>A on the plus strand (C>T on the coding strand, the complement: MKS1 is on the minus strand). VCF-style: chr17-58216391-G-A. GRCh37 (hg19) VCF-style: chr17-56293752-G-A.
Other names: c.-250-148C>T (NM_001321268.2); c.262-148C>T (NM_001330397.2, NM_001321269.2, NM_001411113.1).
Identifiers: ClinVar variation 3037796 (VCV003037796.2), dbSNP rs915633579, ClinGen allele CA292014833.
Genomic context (GRCh38, chr17:58,216,391, plus strand): 5'-TACAGAACTGATGCTATCTGACATGTTTTCATAACCAACACTAAACTAATGAATGGCAGG[G>A]GAACCAAGAACATTAGAGCTAAAAGGAACCAGACTGATAGTCTAATCCAAGTCTGCTATT-3'

ClinVar aggregate classification (germline): Likely benign (0 of 4 stars; one submission).

Conditions:
MKS1-related disorder. Also called: MKS1-related condition; MKS1-related disorders. Identifiers: MedGen CN239382.

Allele frequency attached by ClinVar (database versions not stated): gnomAD 0.00001; gnomAD exomes 0.00004; TOPMed 0.00004.
gnomAD v4.1: 37 of 974,590 alleles (0.0038%); highest among the groups gnomAD compares: Admixed American, 0.0084%; 1 homozygote.

Submission:

PreventionGenetics, part of Exact Sciences
Classification: Likely benign for MKS1-related condition. Last evaluated: 2021-07-27. Review status: no assertion criteria provided. Collection method: clinical testing. Allele origin: germline.
Comment: This variant is classified as likely benign based on ACMG/AMP sequence variant interpretation guidelines (Richards et al. 2015 PMID: 25741868, with internal and published modifications).